The following is an entry in ClinVar:

ClinVar aggregate classification (germline): Uncertain significance (1 of 4 stars; one submission).

Conditions:
Cardiovascular phenotype. Identifiers: MedGen CN230736.

Submission:

Ambry Genetics
Classification: Uncertain significance for Cardiovascular phenotype. Last evaluated: 2025-03-13. Review status: criteria provided, single submitter. Criteria: Ambry Variant Classification Scheme 2023. Collection method: clinical testing. Allele origin: germline.
Comment: The p.A60V variant (also known as c.179C>T), located in coding exon 3 of the ABCA1 gene, results from a C to T substitution at nucleotide position 179. The alanine at codon 60 is replaced by valine, an amino acid with similar properties. This amino acid position is conserved. In addition, this alteration is predicted to be deleterious by in silico analysis. Based on the available evidence, the clinical significance of this variant remains unclear.

NM_005502.4(ABCA1):c.179C>T (p.Ala60Val)

Gene: ABCA1 (ATP binding cassette subfamily A member 1; minus strand). Cytogenetic location: 9q31.1.
Variant type: single nucleotide variant.
Coding change: c.179C>T on transcript NM_005502.4 (MANE Select); coding-DNA position 179, C replaced by T.
Protein change: p.Ala60Val; replaces alanine 60 with valine.
Molecular consequence: missense variant.
Genome position (GRCh38, 1-based): chr9:104,884,550, G>A on the plus strand (C>T on the coding strand, the complement: ABCA1 is on the minus strand). VCF-style: chr9-104884550-G-A. GRCh37 (hg19) VCF-style: chr9-107646831-G-A.
Other names: short protein forms A60V.
Identifiers: ClinVar variation 3835111 (VCV003835111.1).
Genomic context (GRCh38, chr9:104,884,550, plus strand): 5'-GGGTTGTTGGCATTACAGATAATCCCCTGAACCCAAGGAAGTGTTCCTGCAGAGGGCATG[G>A]CTTTATTTGGAAAATGGCCTGTTGAAATCGAGGAGTAGAAAAACACAGGGAGAAACATTA-3'
Protein context (NP_005493.2, residues 50-70): EQHECHFPNK[Ala60Val]MPSAGTLPWV